The following is an entry in ClinVar:

ClinVar aggregate classification (germline): Uncertain significance. Review status: criteria provided, multiple submitters, no conflicts (2 of 4 stars). 2 submissions from 2 submitters: Uncertain significance (2). Last evaluated 2025-11-13.

Conditions:
Hereditary cancer-predisposing syndrome. Also called: Hereditary neoplastic syndrome; Tumor predisposition; Hereditary Cancer Syndrome; Neoplastic Syndromes, Hereditary. Identifiers: Orphanet 140162, MedGen C0027672, MeSH D009386, MONDO:0015356.
Gastrointestinal stromal tumor. Also called: Gastrointestinal stroma tumor; Gastrointestinal stromal tumor, somatic. Identifiers: Orphanet 44890, MedGen C0238198, MeSH D046152, MONDO:0011719, OMIM 606764, HP:0100723.

Submissions (2):

Labcorp Genetics (formerly Invitae), Labcorp
Classification: Uncertain significance for Gastrointestinal stromal tumor. Last evaluated: 2025-11-13. Review status: criteria provided, single submitter. Criteria: Invitae Variant Classification Sherloc (09022015). Collection method: clinical testing. Allele origin: germline.
Comment: This variant, c.1372_1377del, results in the deletion of 2 amino acid(s) of the KIT protein (p.Asp458_Val459del), but otherwise preserves the integrity of the reading frame. This variant is present in population databases (rs756523952, gnomAD 0.009%). This variant has not been reported in the literature in individuals affected with KIT-related conditions. ClinVar contains an entry for this variant (Variation ID: 1499222). Experimental studies and prediction algorithms are not available or were not evaluated, and the functional significance of this variant is currently unknown. In summary, the available evidence is currently insufficient to determine the role of this variant in disease. Therefore, it has been classified as a Variant of Uncertain Significance.

Ambry Genetics
Classification: Uncertain significance for Hereditary cancer-predisposing syndrome. Last evaluated: 2025-07-24. Review status: criteria provided, single submitter. Criteria: Ambry Variant Classification Scheme 2023. Collection method: clinical testing. Allele origin: germline.
Comment: The c.1372_1377delGATGTG variant (also known as p.D458_V459del) is located in coding exon 9 of the KIT gene. This variant results from an in-frame GATGTG deletion at nucleotide positions 1372 to 1377. This results in the in-frame deletion of two amino acids at codons 458 to 459. This amino acid region is well conserved in available vertebrate species. In addition, the in silico prediction for this variant is inconclusive (Choi Y et al. PLoS ONE. 2012; 7(10):e46688). Based on the available evidence, the clinical significance of this variant remains unclear.

NM_000222.3(KIT):c.1372_1377del (p.Asp458_Val459del)

Gene: KIT (KIT proto-oncogene, receptor tyrosine kinase; plus strand). Cytogenetic location: 4q12.
Variant type: Deletion.
Coding change: c.1372_1377del on transcript NM_000222.3 (MANE Select); coding-DNA positions 1372 to 1377, 6 bases deleted (GATGTG; older notation c.1372_1377delGATGTG).
Protein change: p.Asp458_Val459del.
Molecular consequence: inframe deletion.
Genome position (GRCh38, 1-based): chr4:54,725,882-54,725,887, GATGTG deleted; deleting any 6 consecutive bases within chr4:54,725,879-54,725,887 gives the same sequence; the c. name uses the placement nearest the transcript's 3' end. VCF-style (leftmost placement, unchanged base first): chr4-54725878-AGTGGAT-A. GRCh37 (hg19) VCF-style: chr4-55592044-AGTGGAT-A.
Other names: c.1372_1377del, p.Asp458_Val459del (NM_001093772.2, NM_001385285.1, NM_001385286.1); c.1375_1380del, p.Asp459_Val460del (NM_001385284.1, NM_001385288.1, NM_001385290.1 and 1 more transcripts); c.1372_1377delGATGTG (NM_000222.2).
Identifiers: ClinVar variation 1499222 (VCV001499222.7), dbSNP rs756523952, ClinGen allele CA2923479.
Genomic context (GRCh38, chr4:54,725,878, plus strand): 5'-TCCTAGAGTAAGCCAGGGCTTTTGTTTTCTTCCCTTTAGATGCTCTGCTTCTGTACTGCC[AGTGGAT>A]GTGCAGACACTAAACTCATCTGGGCCACCGTTTGGAAAGCTAGTGGTTCAGAGTTCTATA-3'